The following is an entry in ClinVar:

ClinVar aggregate classification (germline): Uncertain significance. Review status: criteria provided, multiple submitters, no conflicts (2 of 4 stars). 3 submissions from 3 submitters: Uncertain significance (3). Last evaluated 2024-10-31.

Conditions:
Inborn genetic diseases. Identifiers: MedGen C0950123, MeSH D030342.

Allele frequency attached by ClinVar (database versions not stated): TOPMed 0.00002; ExAC 0.00004; gnomAD 0.00004.
gnomAD v4.1: 35 of 1,614,032 alleles (0.0022%); highest among the groups gnomAD compares: African/African-American, 0.008%; no homozygotes.

Submissions (3):

GeneDx
Classification: Uncertain significance. Last evaluated: 2024-10-31. Review status: criteria provided, single submitter. Criteria: GeneDx Variant Classification Process June 2021. Collection method: clinical testing. Allele origin: germline. Affected: yes.
Comment: Not observed at significant frequency in large population cohorts (gnomAD); In silico analysis indicates that this missense variant does not alter protein structure/function; Has not been previously published as pathogenic or benign to our knowledge

Ambry Genetics
Classification: Uncertain significance for Inborn genetic diseases. Last evaluated: 2022-03-29. Review status: criteria provided, single submitter. Criteria: Ambry Variant Classification Scheme 2023. Collection method: clinical testing. Allele origin: germline.

Athena Diagnostics
Classification: Uncertain significance. Last evaluated: 2016-09-12. Review status: criteria provided, single submitter. Criteria: Athena Diagnostics Criteria. Collection method: clinical testing. Allele origin: germline.

NM_018075.5(ANO10):c.938G>A (p.Arg313His)

Gene: ANO10 (anoctamin 10; minus strand). Cytogenetic location: 3p22.1.
Variant type: single nucleotide variant.
Coding change: c.938G>A on transcript NM_018075.5 (MANE Select); coding-DNA position 938, G replaced by A.
Protein change: p.Arg313His; replaces arginine 313 with histidine.
Molecular consequence: missense variant. On other transcripts: intron variant (1).
Genome position (GRCh38, 1-based): chr3:43,576,916, C>T on the plus strand (G>A on the coding strand, the complement: ANO10 is on the minus strand). VCF-style: chr3-43576916-C-T. GRCh37 (hg19) VCF-style: chr3-43618408-C-T.
Other names: c.938G>A, p.Arg313His (NM_001204831.3, NM_001346463.2, NM_001346464.2 and 3 more transcripts); c.740G>A, p.Arg247His (NM_001204832.3, NM_001346466.2, NM_001346469.2); c.605G>A, p.Arg202His (NM_001204833.3); c.593-2052G>A (NM_001204834.3); short protein forms R313H, R247H, R202H.
Identifiers: ClinVar variation 446839 (VCV000446839.4), dbSNP rs747769148, ClinGen allele CA2340916.
Genomic context (GRCh38, chr3:43,576,916, plus strand): 5'-ATGACATACAGTGAGAAATAGAGGCAGAGGCACACGAATGGCAGGGAGACCAGGTAAATG[C>T]GCAACTGTCTCTTGTAGCTGGGGTACAGAGGCTCCTCCTTCCCAGTGATGGAATTGATAC-3'
Protein context (NP_060545.3, residues 303-323): PLYPSYKRQL[Arg313His]IYLVSLPFVC